The following is an entry in ClinVar:

NM_000155.4(GALT):c.327A>G (p.Pro109=)

Gene: GALT (galactose-1-phosphate uridylyltransferase; plus strand). Cytogenetic location: 9p13.3.
Variant type: single nucleotide variant.
Coding change: c.327A>G on transcript NM_000155.4 (MANE Select); coding-DNA position 327, A replaced by G.
Protein change: p.Pro109=; no amino-acid change (proline 109 retained).
Molecular consequence: synonymous variant. On other transcripts: intron variant (1).
Genome position (GRCh38, 1-based): chr9:34,647,566, A>G. VCF-style: chr9-34647566-A-G. GRCh37 (hg19) VCF-style: chr9-34647563-A-G.
Other names: c.327A>G (NM_000155.3); c.51-266A>G (NM_001258332.2).
Identifiers: ClinVar variation 4695073 (VCV004695073.2).
Genomic context (GRCh38, chr9:34,647,566, plus strand): 5'-CGATAGCACCTTCCTGTTTGACAACGACTTCCCAGCTCTGCAGCCTGATGCCCCCAGTCC[A>G]GGTAACCTGGCTCCAACTGCTGCTGGGGAGGAGGGTGGCTAGACCTCTTGAGGGACTTCT-3'
Protein context (NP_000146.2, residues 99-119): FPALQPDAPS[Pro109=]GPSDHPLFQA

ClinVar aggregate classification (germline): Conflicting classifications of pathogenicity. Review status: criteria provided, conflicting classifications (1 of 4 stars). 2 submissions from 2 submitters: Likely pathogenic (1); Uncertain significance (1). Last evaluated 2025-06-03.

Conditions:
Deficiency of UDPglucose-hexose-1-phosphate uridylyltransferase. Also called: GALACTOSE-1-PHOSPHATE URIDYLYLTRANSFERASE DEFICIENCY; GALT deficiency; Galactosemia, classic; Transferase Deficiency Galactosemia; GALACTOSEMIA I. Identifiers: Orphanet 352, Orphanet 79239, MedGen C0268151, MONDO:0009258, OMIM 230400.
Galactosemia. Also called: Galactose intolerance. Identifiers: Orphanet 352, MedGen C0016952, MONDO:0018116, HP:0004919. Disease mechanism: loss of function.

Submissions (2):

Labcorp Genetics (formerly Invitae), Labcorp
Classification: Uncertain significance for Deficiency of UDPglucose-hexose-1-phosphate uridylyltransferase. Last evaluated: 2025-06-03. Review status: criteria provided, single submitter. Criteria: Invitae Variant Classification Sherloc (09022015). Collection method: clinical testing. Allele origin: germline.
Comment: This sequence change affects codon 109 of the GALT mRNA. It is a 'silent' change, meaning that it does not change the encoded amino acid sequence of the GALT protein. It affects a nucleotide within the consensus splice site. This variant is not present in population databases (gnomAD no frequency). This variant has been observed in individual(s) with classical galactosemia (PMID: 31194895; internal data). Algorithms developed to predict the effect of sequence changes on RNA splicing suggest that this variant may disrupt the consensus splice site. In summary, the available evidence is currently insufficient to determine the role of this variant in disease. Therefore, it has been classified as a Variant of Uncertain Significance.

Natera, Inc.
Classification: Likely pathogenic for Galactosemia. Last evaluated: 2024-05-09. Review status: criteria provided, single submitter. Criteria: Natera Variant Classification Schema (03/2026). Collection method: clinical testing. Allele origin: germline.
Comment: The c.327A>G variant in GALT is a synonymous variant that does not alter the encoded amino acid at position 109 (p.P109=). This variant is rare in the general population with a frequency below the threshold expected for the associated phenotype(s). This variant has been observed in one or more individuals affected with the associated recessive disease, as either homozygous or compound heterozygous with a second variant (PMID: 31194895). Functional studies show that this variant may disrupt protein function (PMID: 31194895). Computational prediction algorithms indicate this variant is likely to affect gene or protein function. Given the available evidence, this variant is classified as Likely Pathogenic.

Literature cited by the submitters: PubMed 31194895 (cited by Labcorp Genetics (formerly Invitae), Labcorp and Natera, Inc.).